The following is an entry in ClinVar:

ClinVar aggregate classification (germline): Uncertain significance (1 of 4 stars; one submission).

Allele frequency attached by ClinVar (database versions not stated): gnomAD exomes below 0.00001; TOPMed below 0.00001.
gnomAD v4.1: 1 of 1,613,986 alleles (0.000062%); highest among the groups gnomAD compares: African/African-American, 0.0013%; no homozygotes.

Submission:

Labcorp Genetics (formerly Invitae), Labcorp
Classification: Uncertain significance. Last evaluated: 2023-11-27. Review status: criteria provided, single submitter. Criteria: Invitae Variant Classification Sherloc (09022015). Collection method: clinical testing. Allele origin: germline.
Comment: This sequence change falls in intron 9 of the ADAMTS18 gene. It does not directly change the encoded amino acid sequence of the ADAMTS18 protein. It affects a nucleotide within the consensus splice site. This variant is present in population databases (no rsID available, gnomAD 0.007%). This variant has not been reported in the literature in individuals affected with ADAMTS18-related conditions. ClinVar contains an entry for this variant (Variation ID: 1365183). Variants that disrupt the consensus splice site are a relatively common cause of aberrant splicing (PMID: 17576681, 9536098). Algorithms developed to predict the effect of sequence changes on RNA splicing suggest that this variant may disrupt the consensus splice site. In summary, the available evidence is currently insufficient to determine the role of this variant in disease. Therefore, it has been classified as a Variant of Uncertain Significance.

Literature cited by the submitters: PubMed 17576681; PubMed 9536098.

NM_199355.4(ADAMTS18):c.1460+3A>G

Gene: ADAMTS18 (ADAM metallopeptidase with thrombospondin type 1 motif 18; minus strand). Cytogenetic location: 16q23.1.
Variant type: single nucleotide variant.
Coding change: c.1460+3A>G on transcript NM_199355.4 (MANE Select); 3 bases into the intron after coding-DNA position 1460, A replaced by G.
Molecular consequence: intron variant.
Genome position (GRCh38, 1-based): chr16:77,355,937, T>C on the plus strand (A>G on the coding strand, the complement: ADAMTS18 is on the minus strand). VCF-style: chr16-77355937-T-C. GRCh37 (hg19) VCF-style: chr16-77389834-T-C.
Other names: c.944+3A>G (NM_001326358.2).
Identifiers: ClinVar variation 1365183 (VCV001365183.6), dbSNP rs1403175034, ClinGen allele CA623587443.
Genomic context (GRCh38, chr16:77,355,937, plus strand): 5'-TATGGAGCACAATTCTGTCATCACTCCAAACCTAGGAGCACCCCAGGATTTAACCTGTCA[T>C]ACCTGAGGAATTTCTTGAGATACTGGCGGCTGCAGGAAGACCATGAAAACACTCCATTGT-3'